The following is an entry in ClinVar:

NM_001195129.2(PRSS56):c.1019C>T (p.Ser340Phe)

Gene: PRSS56 (serine protease 56; plus strand). Cytogenetic location: 2q37.1.
Variant type: single nucleotide variant.
Coding change: c.1019C>T on transcript NM_001195129.2 (MANE Select); coding-DNA position 1019, C replaced by T.
Protein change: p.Ser340Phe; replaces serine 340 with phenylalanine.
Molecular consequence: missense variant.
Genome position (GRCh38, 1-based): chr2:232,523,778, C>T. VCF-style: chr2-232523778-C-T. GRCh37 (hg19) VCF-style: chr2-233388488-C-T.
Other names: c.1019C>T (NM_001195129.1); c.1022C>T, p.Ser341Phe (NM_001369848.1); short protein forms S340F, S341F.
Identifiers: ClinVar variation 1556974 (VCV001556974.10), dbSNP rs540536012, ClinGen allele CA2167765.

ClinVar aggregate classification (germline): Benign. Review status: criteria provided, single submitter (1 of 4 stars). 2 submissions from 2 submitters: Benign (1). 1 of the submissions does not count toward it. Last evaluated 2024-05-14.

Conditions:
PRSS56-related disorder. Also called: PRSS56-related condition.
Isolated microphthalmia 6. Also called: MICROPHTHALMIA, POSTERIOR NONSYNDROMIC. Identifiers: Orphanet 2542, MedGen C3150757, MONDO:0013293, OMIM 613517.

Allele frequency attached by ClinVar (database versions not stated): gnomAD 0.00019 and 0.00037; ExAC 0.00037; TOPMed 0.00050; gnomAD exomes 0.00080; 1000 Genomes Project 0.00180; 1000 Genomes Project 30x 0.00203.

Submissions (2):

Labcorp Genetics (formerly Invitae), Labcorp
Classification: Benign for Isolated microphthalmia 6. Last evaluated: 2024-05-14. Review status: criteria provided, single submitter. Criteria: Invitae Variant Classification Sherloc (09022015). Collection method: clinical testing. Allele origin: germline.

PreventionGenetics, part of Exact Sciences
Classification: Benign for PRSS56-related condition. Last evaluated: 2019-10-28. Review status: no assertion criteria provided. Collection method: clinical testing. Allele origin: germline. Not counted in ClinVar's aggregate classification.
Comment: This variant is classified as benign based on ACMG/AMP sequence variant interpretation guidelines (Richards et al. 2015 PMID: 25741868, with internal and published modifications).